The following is an entry in ClinVar:

NM_002230.4(JUP):c.2065A>G (p.Ile689Val)

Gene: JUP (junction plakoglobin; minus strand). Cytogenetic location: 17q21.2.
Variant type: single nucleotide variant.
Coding change: c.2065A>G on transcript NM_002230.4 (MANE Select); coding-DNA position 2065, A replaced by G.
Protein change: p.Ile689Val; replaces isoleucine 689 with valine.
Molecular consequence: missense variant.
Genome position (GRCh38, 1-based): chr17:41,756,196, T>C on the plus strand (A>G on the coding strand, the complement: JUP is on the minus strand). VCF-style: chr17-41756196-T-C. GRCh37 (hg19) VCF-style: chr17-39912448-T-C.
Other names: c.2065A>G, p.Ile689Val (NM_001352773.2, NM_001352774.2, NM_001352775.2 and 3 more transcripts); short protein forms I689V.
Identifiers: ClinVar variation 4089551 (VCV004089551.1).

ClinVar aggregate classification (germline): Uncertain significance (1 of 4 stars; one submission).

Conditions:
Cardiovascular phenotype. Identifiers: MedGen CN230736.

Submission:

Ambry Genetics
Classification: Uncertain significance for Cardiovascular phenotype. Last evaluated: 2025-07-03. Review status: criteria provided, single submitter. Criteria: Ambry Variant Classification Scheme 2023. Collection method: clinical testing. Allele origin: germline.
Comment: The p.I689V variant (also known as c.2065A>G), located in coding exon 12 of the JUP gene, results from an A to G substitution at nucleotide position 2065. The isoleucine at codon 689 is replaced by valine, an amino acid with highly similar properties. This amino acid position is conserved. In addition, this alteration is predicted to be tolerated by in silico analysis. Based on the available evidence, the clinical significance of this variant remains unclear.